The following is an entry in ClinVar:

ClinVar aggregate classification (germline): Conflicting classifications of pathogenicity. Review status: criteria provided, conflicting classifications (1 of 4 stars). 5 submissions from 5 submitters: Uncertain significance (4); Likely benign (1). Last evaluated 2026-07-22.

Conditions:
ABCA4-related disorder. Also called: ABCA4-related condition; ABCA4-related disorders. Identifiers: MedGen CN239167.
Inborn genetic diseases. Identifiers: MedGen C0950123, MeSH D030342.
Retinal dystrophy. Also called: Inherited retinal dystrophy. Identifiers: Orphanet 71862, MedGen C0854723, MeSH D058499, MONDO:0019118, HP:0000556.

Allele frequency attached by ClinVar (database versions not stated): gnomAD below 0.00001 and 0.00003; TOPMed 0.00003; 1000 Genomes Project 0.00040; 1000 Genomes Project 30x 0.00062.

Submissions (5):

PreventionGenetics, part of Exact Sciences
Classification: Uncertain significance for ABCA4-related condition. Last evaluated: 2026-07-22. Review status: criteria provided, single submitter. Criteria: ACMG Guidelines, 2015. Collection method: clinical testing. Allele origin: germline.
Comment: The ABCA4 c.791G>A variant is predicted to result in the amino acid substitution p.Arg264His. To our knowledge, this variant has not been reported in the literature. This variant is reported in 0.075% of alleles in individuals of South Asian descent in gnomAD. Although we suspect that this variant may be benign, at this time, the clinical significance of this variant is uncertain due to the absence of conclusive functional and genetic evidence.

Labcorp Genetics (formerly Invitae), Labcorp
Classification: Likely benign. Last evaluated: 2025-09-14. Review status: criteria provided, single submitter. Criteria: Invitae Variant Classification Sherloc (09022015). Collection method: clinical testing. Allele origin: germline.

Blueprint Genetics
Classification: Uncertain significance. Last evaluated: 2024-02-01. Review status: criteria provided, single submitter. Criteria: ACMG Guidelines, 2015. Collection method: clinical testing. Allele origin: germline.

Dept Of Ophthalmology, Nagoya University
Classification: Uncertain significance for Retinal dystrophy. Last evaluated: 2023-10-01. Review status: criteria provided, single submitter. Criteria: Submitter's publication. Collection method: research. Allele origin: germline. Affected: yes.

Ambry Genetics
Classification: Uncertain significance for Inborn genetic diseases. Last evaluated: 2022-08-17. Review status: criteria provided, single submitter. Criteria: Ambry Variant Classification Scheme 2023. Collection method: clinical testing. Allele origin: germline.

NM_000350.3(ABCA4):c.791G>A (p.Arg264His)

Gene: ABCA4 (ATP binding cassette subfamily A member 4; minus strand). Cytogenetic location: 1p22.1.
Variant type: single nucleotide variant.
Coding change: c.791G>A on transcript NM_000350.3 (MANE Select); coding-DNA position 791, G replaced by A.
Protein change: p.Arg264His; replaces arginine 264 with histidine.
Molecular consequence: missense variant.
Genome position (GRCh38, 1-based): chr1:94,083,419, C>T on the plus strand (G>A on the coding strand, the complement: ABCA4 is on the minus strand). VCF-style: chr1-94083419-C-T. GRCh37 (hg19) VCF-style: chr1-94548975-C-T.
Other names: c.791G>A, p.Arg264His (NM_001425324.1); short protein forms R264H.
Identifiers: ClinVar variation 298265 (VCV000298265.18), dbSNP rs567985213, ClinGen allele CA958722.